The following is an entry in ClinVar:

NM_002184.4(IL6ST):c.2564A>G (p.His855Arg)

Gene: IL6ST (interleukin 6 cytokine family signal transducer; minus strand). Cytogenetic location: 5q11.2.
Variant type: single nucleotide variant.
Coding change: c.2564A>G on transcript NM_002184.4 (MANE Select); coding-DNA position 2564, A replaced by G.
Protein change: p.His855Arg; replaces histidine 855 with arginine.
Molecular consequence: missense variant. On other transcripts: 3 prime UTR variant (1), non-coding transcript variant (2).
Genome position (GRCh38, 1-based): chr5:55,941,275, T>C on the plus strand (A>G on the coding strand, the complement: IL6ST is on the minus strand). VCF-style: chr5-55941275-T-C. GRCh37 (hg19) VCF-style: chr5-55237103-T-C.
Other names: c.2381A>G, p.His794Arg (NM_001190981.2); c.2462A>G, p.His821Arg (NM_001364275.2); c.2354A>G, p.His785Arg (NM_001364276.2); c.1697A>G, p.His566Arg (NM_001364277.2); c.1661A>G, p.His554Arg (NM_001364278.2); c.1568A>G, p.His523Arg (NM_001364279.2); c.*1491A>G (NM_175767.3); short protein forms H523R, H785R, H794R, H855R, H566R, H821R, H554R.
Identifiers: ClinVar variation 4696403 (VCV004696403.1).

ClinVar aggregate classification (germline): Uncertain significance (1 of 4 stars; one submission).

Submission:

Labcorp Genetics (formerly Invitae), Labcorp
Classification: Uncertain significance. Last evaluated: 2026-01-25. Review status: criteria provided, single submitter. Criteria: Invitae Variant Classification Sherloc (09022015). Collection method: clinical testing. Allele origin: germline.
Comment: This sequence change replaces histidine, which is basic and polar, with arginine, which is basic and polar, at codon 855 of the IL6ST protein (p.His855Arg). This variant is not present in population databases (gnomAD no frequency). This variant has not been reported in the literature in individuals affected with IL6ST-related conditions. An algorithm developed to predict the effect of missense changes on protein structure and function outputs the following: PolyPhen-2: "Benign". The arginine amino acid residue is found in multiple mammalian species, which suggests that this missense change does not adversely affect protein function. In summary, the available evidence is currently insufficient to determine the role of this variant in disease. Therefore, it has been classified as a Variant of Uncertain Significance.